The following is an entry in ClinVar:

ClinVar aggregate classification (germline): Likely pathogenic (1 of 4 stars; one submission).

Conditions:
Dilated cardiomyopathy 1G (CMD1G). Identifiers: Orphanet 154, MedGen C1858763, MONDO:0011400, OMIM 604145.
Autosomal recessive limb-girdle muscular dystrophy type 2J (LGMDR10). Also called: Limb-girdle muscular dystrophy, type 2J; MUSCULAR DYSTROPHY, LIMB-GIRDLE, AUTOSOMAL RECESSIVE 10. Identifiers: Orphanet 140922, MedGen C1837342, MONDO:0012127, OMIM 608807.

Submission:

Labcorp Genetics (formerly Invitae), Labcorp
Classification: Likely pathogenic for Dilated cardiomyopathy 1G; Autosomal recessive limb-girdle muscular dystrophy type 2J. Last evaluated: 2018-04-16. Review status: criteria provided, single submitter. Criteria: Invitae Variant Classification Sherloc (09022015). Collection method: clinical testing. Allele origin: germline.
Comment: Retrotransposon insertions including LINE1 (L1), Alu, and SVA (SINE-VNTR-Alu) have been reported to be disease-causing through disruption of either a coding region or splice site (PMID: 19763152, 20307669, 22406018). This variant is found in the A-band of this gene. While this particular variant has not been reported in the literature, truncating variants in the A-band of TTN are significantly overrepresented in patients with dilated cardiomyopathy and are considered to be likely pathogenic for the disease (PMID: 25589632). Truncating variants in TTN have also been reported in individuals affected with autosomal recessive centronuclear myopathy (PMID: 23975875). This sequence change inserts Alu in exon 301 of the TTN mRNA (NM_001267550.2:c.59570_59571insAlu), causing a frameshift at codon 19857 (p.Leu19857Phefs*45). The exact size and sequence of the insertion cannot be determined by the current assay. However, the insertion is expected to result in an absent or disrupted protein product. In summary, the currently available evidence indicates that the variant is pathogenic, but additional data are needed to prove that conclusively. Therefore, this variant has been classified as Likely Pathogenic.

Literature cited by the submitters: PubMed 19763152; PubMed 20307669; PubMed 22406018; PubMed 25589632; PubMed 23975875.

NM_001267550.2(TTN):c.59570_59571insTTTTTTTTTTNNNNNNNNNNCAGATGGAAATGCAGAAATCACCGTCTTCTGCGTCGCTCACGCTGGGAGCTGTAGACCGGAGCTGTTCCTATTCGGCCATCTTGGCTCCTCCCCCCCGGAATTTATTCTTT (p.Leu19857fs)

Genes: TTN-AS1 (TTN antisense RNA 1; plus strand), TTN (titin; minus strand), LOC126806424 (CDK7 strongly-dependent group 2 enhancer GRCh37_chr2:179456337-179457536; plus strand). Cytogenetic location: 2q31.2.
Variant type: Insertion.
Coding change: c.59570_59571insTTTTTTTTTTNNNNNNNNNNCAGATGGAAATGCAGAAATCACCGTCTTCTGCGTCGCTCACGCTGGGAGCTGTAGACCGGAGCTGTTCCTATTCGGCCATCTTGGCTCCTCCCCCCCGGAATTTATTCTTT on transcript NM_001267550.2 (MANE Select); coding-DNA positions 59570 to 59571, TTTTTTTTTTNNNNNNNNNNCAGATGGAAATGCAGAAATCACCGTCTTCTGCGTCGCTCACGCTGGGAGCTGTAGACCGGAGCTGTTCCTATTCGGCCATCTTGGCTCCTCCCCCCCGGAATTTATTCTTT inserted.
Protein change: p.Leu19857fs; shifts the reading frame from leucine 19857.
Molecular consequence: frameshift variant.
Genome position: GRCh38: chr2:178,592,448-178,592,449. GRCh37 (hg19): chr2:179,457,175-179,457,176.
Other names: c.54647_54648insTTTTTTTTTTNNNNNNNNNNCAGATGGAAATGCAGAAATCACCGTCTTCTGCGTCGCTCACGCTGGGAGCTGTAGACCGGAGCTGTTCCTATTCGGCCATCTTGGCTCCTCCCCCCCGGAATTTATTCTTT, p.Leu18216fs (NM_001256850.1); c.32375_32376insTTTTTTTTTTNNNNNNNNNNCAGATGGAAATGCAGAAATCACCGTCTTCTGCGTCGCTCACGCTGGGAGCTGTAGACCGGAGCTGTTCCTATTCGGCCATCTTGGCTCCTCCCCCCCGGAATTTATTCTTT, p.Leu10792fs (NM_003319.4); c.51866_51867insTTTTTTTTTTNNNNNNNNNNCAGATGGAAATGCAGAAATCACCGTCTTCTGCGTCGCTCACGCTGGGAGCTGTAGACCGGAGCTGTTCCTATTCGGCCATCTTGGCTCCTCCCCCCCGGAATTTATTCTTT, p.Leu17289fs (NM_133378.4); c.32750_32751insTTTTTTTTTTNNNNNNNNNNCAGATGGAAATGCAGAAATCACCGTCTTCTGCGTCGCTCACGCTGGGAGCTGTAGACCGGAGCTGTTCCTATTCGGCCATCTTGGCTCCTCCCCCCCGGAATTTATTCTTT, p.Leu10917fs (NM_133432.3); c.32951_32952insTTTTTTTTTTNNNNNNNNNNCAGATGGAAATGCAGAAATCACCGTCTTCTGCGTCGCTCACGCTGGGAGCTGTAGACCGGAGCTGTTCCTATTCGGCCATCTTGGCTCCTCCCCCCCGGAATTTATTCTTT, p.Leu10984fs (NM_133437.4); short protein forms L10792fs, L10917fs, L10984fs, L17289fs, L18216fs, L19857fs.
Identifiers: ClinVar variation 1066944 (VCV001066944.9), dbSNP rs2154185645.